The following is an entry in ClinVar:

ClinVar aggregate classification (germline): Uncertain significance. Review status: criteria provided, multiple submitters, no conflicts (2 of 4 stars). 2 submissions from 2 submitters: Uncertain significance (2). Last evaluated 2022-10-05.

Allele frequency attached by ClinVar (database versions not stated): ExAC 0.00001; gnomAD exomes 0.00001; TOPMed 0.00001.

Submissions (2):

Labcorp Genetics (formerly Invitae), Labcorp
Classification: Uncertain significance. Last evaluated: 2022-10-05. Review status: criteria provided, single submitter. Criteria: Invitae Variant Classification Sherloc (09022015). Collection method: clinical testing. Allele origin: germline.
Comment: This sequence change replaces valine, which is neutral and non-polar, with methionine, which is neutral and non-polar, at codon 905 of the BMP1 protein (p.Val905Met). This variant is present in population databases (rs774390712, gnomAD 0.003%). This variant has not been reported in the literature in individuals affected with BMP1-related conditions. ClinVar contains an entry for this variant (Variation ID: 546429). Advanced modeling of protein sequence and biophysical properties (such as structural, functional, and spatial information, amino acid conservation, physicochemical variation, residue mobility, and thermodynamic stability) performed at Invitae indicates that this missense variant is not expected to disrupt BMP1 protein function. In summary, the available evidence is currently insufficient to determine the role of this variant in disease. Therefore, it has been classified as a Variant of Uncertain Significance.

GeneDx
Classification: Uncertain significance. Last evaluated: 2018-05-22. Review status: criteria provided, single submitter. Criteria: GeneDx Variant Classification (06012015). Collection method: clinical testing. Allele origin: germline. Affected: yes.
Comment: The V905M variant has not been published as a pathogenic variant, nor has it been reported as a benign variant to our knowledge. The V905M variant is not observed at a significant frequency in large population cohorts (Lek et al., 2016). The V905M variant is a conservative amino acid substitution, which is not likely to impact secondary protein structure as these residues share similar properties. In-silico analyses, including protein predictors and evolutionary conservation, support that this variant does not alter protein structure/function. In summary, based on the currently available information, it is unclear whether this variant is a pathogenic variant or a rare benign variant.

NM_006129.5(BMP1):c.2713G>A (p.Val905Met)

Gene: BMP1 (bone morphogenetic protein 1; plus strand). Cytogenetic location: 8p21.3.
Variant type: single nucleotide variant.
Coding change: c.2713G>A on transcript NM_006129.5 (MANE Select); coding-DNA position 2713, G replaced by A.
Protein change: p.Val905Met; replaces valine 905 with methionine.
Molecular consequence: missense variant. On other transcripts: non-coding transcript variant (1).
Genome position (GRCh38, 1-based): chr8:22,209,582, G>A. VCF-style: chr8-22209582-G-A. GRCh37 (hg19) VCF-style: chr8-22067095-G-A.
Other names: short protein forms V905M.
Identifiers: ClinVar variation 546429 (VCV000546429.4), dbSNP rs774390712, ClinGen allele CA4665344.